The following is an entry in ClinVar:

NM_000214.3(JAG1):c.860A>G (p.Asn287Ser)

Gene: JAG1 (jagged canonical Notch ligand 1; minus strand). Cytogenetic location: 20p12.2.
Variant type: single nucleotide variant.
Coding change: c.860A>G on transcript NM_000214.3 (MANE Select); coding-DNA position 860, A replaced by G.
Protein change: p.Asn287Ser; replaces asparagine 287 with serine.
Molecular consequence: missense variant.
Genome position (GRCh38, 1-based): chr20:10,652,494, T>C on the plus strand (A>G on the coding strand, the complement: JAG1 is on the minus strand). VCF-style: chr20-10652494-T-C. GRCh37 (hg19) VCF-style: chr20-10633142-T-C.
Other names: c.860A>G, p.Asn287Ser (LRG_1191t1); short protein forms N287S.
Identifiers: ClinVar variation 234530 (VCV000234530.13), dbSNP rs768317581, ClinGen allele CA9765038.

ClinVar aggregate classification (germline): Conflicting classifications of pathogenicity. Review status: criteria provided, conflicting classifications (1 of 4 stars). 4 submissions from 4 submitters: Uncertain significance (3); Likely benign (1). Last evaluated 2022-12-25.

Conditions:
Cardiovascular phenotype. Identifiers: MedGen CN230736.
Alagille syndrome due to a JAG1 point mutation. Also called: JAG1-Related Alagille Syndrome; HEPATIC DUCTULAR HYPOPLASIA, SYNDROMATIC; Alagille Syndrome 1. Identifiers: Orphanet 261619, Orphanet 52, MedGen C1956125, MONDO:0016862, OMIM 118450.
Deafness, congenital heart defects, and posterior embryotoxon (DCHE). Identifiers: MedGen C1866053, MONDO:0060713, OMIM 617992.
Charcot-Marie-Tooth disease, axonal, Type 2HH. Also called: CHARCOT-MARIE-TOOTH NEUROPATHY, TYPE 2HH. Identifiers: MedGen C5562003, MONDO:0030458, OMIM 619574.
Tetralogy of Fallot (TOF). Identifiers: Orphanet 3303, MedGen C0039685, MONDO:0008542, OMIM 187500, HP:0001636.

Allele frequency attached by ClinVar (database versions not stated): ExAC 0.00001; gnomAD 0.00001; gnomAD exomes 0.00001 and 0.00002; TOPMed 0.00001.
gnomAD v4.1: 19 of 1,613,936 alleles (0.0012%); highest among the groups gnomAD compares: Non-Finnish European, 0.0015%; no homozygotes.

Submissions (4):

Labcorp Genetics (formerly Invitae), Labcorp
Classification: Likely benign for Alagille syndrome due to a JAG1 point mutation. Last evaluated: 2022-12-25. Review status: criteria provided, single submitter. Criteria: Invitae Variant Classification Sherloc (09022015). Collection method: clinical testing. Allele origin: germline.

Ambry Genetics
Classification: Uncertain significance for Cardiovascular phenotype. Last evaluated: 2022-09-17. Review status: criteria provided, single submitter. Criteria: Ambry Variant Classification Scheme 2023. Collection method: clinical testing. Allele origin: germline.
Comment: The p.N287S variant (also known as c.860A>G), located in coding exon 6 of the JAG1 gene, results from an A to G substitution at nucleotide position 860. The asparagine at codon 287 is replaced by serine, an amino acid with highly similar properties. This amino acid position is conserved. In addition, this alteration is predicted to be tolerated by in silico analysis. Since supporting evidence is limited at this time, the clinical significance of this alteration remains unclear.

Fulgent Genetics
Classification: Uncertain significance for Alagille syndrome due to a JAG1 point mutation; Tetralogy of Fallot; Deafness, congenital heart defects, and posterior embryotoxon; Charcot-Marie-Tooth disease, axonal, Type 2HH. Last evaluated: 2021-12-01. Review status: criteria provided, single submitter. Criteria: ACMG Guidelines, 2015. Collection method: clinical testing. Allele origin: unknown.

GeneDx
Classification: Uncertain significance. Last evaluated: 2015-09-20. Review status: criteria provided, single submitter. Criteria: GeneDx Variant Classification (06012015). Collection method: clinical testing. Allele origin: germline. Affected: yes.
Comment: The N287S variant in the JAG1 gene has not been published as a pathogenic variant, nor has it been reported as a benign variant to our knowledge. The N287S variant was not observed in approximately 6,500 individuals of European and African American ancestry in the NHLBI Exome Sequencing Project, indicating it is not a common benign variant in these populations. The N287S variant is a conservative amino acid substitution, which is not likely to impact secondary protein structure as these residues share similar properties. This substitution occurs at a position that is conserved across species. In silico analysis predicts this variant is probably damaging to the protein structure/function. Missense variants in nearby residues (C284F, W288C) have been reported in the Human Gene Mutation Database in association with Alagille syndrome (Stenson et al., 2014), supporting the functional importance of this region of the protein. Therefore, we interpret N287S as a variant of uncertain significance.